The following is an entry in ClinVar:

ClinVar aggregate classification (germline): Uncertain significance (1 of 4 stars; one submission).

Conditions:
Tuberous sclerosis 2 (TSC2). Identifiers: Orphanet 805, MedGen C1860707, MONDO:0013199, OMIM 613254.

Submission:

Labcorp Genetics (formerly Invitae), Labcorp
Classification: Uncertain significance for Tuberous sclerosis 2. Last evaluated: 2019-12-05. Review status: criteria provided, single submitter. Criteria: Invitae Variant Classification Sherloc (09022015). Collection method: clinical testing. Allele origin: germline.
Comment: Algorithms developed to predict the effect of missense changes on protein structure and function are either unavailable or do not agree on the potential impact of this missense change (SIFT: "Deleterious"; PolyPhen-2: "Possibly Damaging"; Align-GVGD: "Class C0"). This sequence change replaces proline with glutamine at codon 237 of the TSC2 protein (p.Pro237Gln). The proline residue is highly conserved and there is a moderate physicochemical difference between proline and glutamine. This variant is not present in population databases (ExAC no frequency). This variant has not been reported in the literature in individuals with TSC2-related conditions. In summary, the available evidence is currently insufficient to determine the role of this variant in disease. Therefore, it has been classified as a Variant of Uncertain Significance.

NM_000548.5(TSC2):c.710C>A (p.Pro237Gln)

Gene: TSC2 (TSC complex subunit 2; plus strand). Cytogenetic location: 16p13.3.
Variant type: single nucleotide variant.
Coding change: c.710C>A on transcript NM_000548.5 (MANE Select); coding-DNA position 710, C replaced by A.
Protein change: p.Pro237Gln; replaces proline 237 with glutamine.
Molecular consequence: missense variant.
Genome position (GRCh38, 1-based): chr16:2,056,705, C>A. VCF-style: chr16-2056705-C-A. GRCh37 (hg19) VCF-style: chr16-2106706-C-A.
Other names: c.710C>A, p.Pro237Gln (NM_001077183.3, NM_001114382.3, NM_001363528.2 and 3 more transcripts); c.599C>A, p.Pro200Gln (NM_001318827.2); c.563C>A, p.Pro188Gln (NM_001318829.2); c.110C>A, p.Pro37Gln (NM_001318831.2); c.743C>A, p.Pro248Gln (NM_001318832.2); short protein forms P248Q, P200Q, P188Q, P237Q, P37Q.
Identifiers: ClinVar variation 850970 (VCV000850970.9), dbSNP rs139060277, ClinGen allele CA394312710.
Genomic context (GRCh38, chr16:2,056,705, plus strand): 5'-TCTCCCTGCAGGTGCTGGACGCCGTGGTCTGCTACAACTGCCTGCCGGCTGAGAGCCTCC[C>A]GCTGTTCATCGTTACCCTCTGTCGCACCATCAACGTCAAGGAGCTCTGCGAGCCTTGCTG-3'
Protein context (NP_000539.2, residues 227-247): CYNCLPAESL[Pro237Gln]LFIVTLCRTI